The following is an entry in ClinVar:

NM_000059.4(BRCA2):c.3818T>A (p.Phe1273Tyr)

Gene: BRCA2 (BRCA2 DNA repair associated; plus strand). Cytogenetic location: 13q13.1.
Variant type: single nucleotide variant.
Coding change: c.3818T>A on transcript NM_000059.4 (MANE Select); coding-DNA position 3818, T replaced by A.
Protein change: p.Phe1273Tyr; replaces phenylalanine 1273 with tyrosine.
Molecular consequence: missense variant. On other transcripts: non-coding transcript variant (1), intron variant (2).
Genome position (GRCh38, 1-based): chr13:32,338,173, T>A. VCF-style: chr13-32338173-T-A. GRCh37 (hg19) VCF-style: chr13-32912310-T-A.
Other names: c.3818T>A, p.Phe1273Tyr (NM_001406719.1, NM_001406720.1, NM_001432077.1); c.1909+4786T>A (NM_001406721.1); c.425-6385T>A (NM_001406722.1); short protein forms F1273Y.
Identifiers: ClinVar variation 4739098 (VCV004739098.1).
Genomic context (GRCh38, chr13:32,338,173, plus strand): 5'-CAGAGGTACATCCAATAAGTTTATCTTCAAGTAAATGTCATGATTCTGTTGTTTCAATGT[T>A]TAAGATAGAAAATCATAATGATAAAACTGTAAGTGAAAAAAATAATAAATGCCAACTGAT-3'
Protein context (NP_000050.3, residues 1263-1283): SKCHDSVVSM[Phe1273Tyr]KIENHNDKTV

ClinVar aggregate classification (germline): Uncertain significance (1 of 4 stars; one submission).

Conditions:
Hereditary breast ovarian cancer syndrome. Also called: Breast and ovarian cancer; Hereditary breast and/or ovarian cancer syndrome; Hereditary breast and ovarian cancer; Hereditary breast and ovarian cancer syndrome; Hereditary breast and ovarian cancer syndrome (HBOC); BRCA1- and BRCA2-Associated Hereditary Breast and Ovarian Cancer. Identifiers: Orphanet 145, MedGen C0677776, MeSH D061325, MONDO:0003582. Disease mechanism: loss of function.

Submission:

Labcorp Genetics (formerly Invitae), Labcorp
Classification: Uncertain significance for Hereditary breast ovarian cancer syndrome. Last evaluated: 2025-07-25. Review status: criteria provided, single submitter. Criteria: Invitae Variant Classification Sherloc (09022015). Collection method: clinical testing. Allele origin: germline.
Comment: This sequence change replaces phenylalanine, which is neutral and non-polar, with tyrosine, which is neutral and polar, at codon 1273 of the BRCA2 protein (p.Phe1273Tyr). This variant is not present in population databases (gnomAD no frequency). This missense change has been observed in individual(s) with breast cancer (PMID: 30287823). Invitae Evidence Modeling of protein sequence and biophysical properties (such as structural, functional, and spatial information, amino acid conservation, physicochemical variation, residue mobility, and thermodynamic stability) indicates that this missense variant is not expected to disrupt BRCA2 protein function with a negative predictive value of 95%. Experimental studies have shown that this missense change does not substantially affect BRCA2 function (PMID: 37731132). In summary, the available evidence is currently insufficient to determine the role of this variant in disease. Therefore, it has been classified as a Variant of Uncertain Significance.

Literature cited by the submitters: PubMed 30287823; PubMed 37731132.